The following is an entry in ClinVar:

NM_000404.4(GLB1):c.1645C>T (p.Pro549Ser)

Gene: GLB1 (galactosidase beta 1; minus strand). Cytogenetic location: 3p22.3.
Variant type: single nucleotide variant.
Coding change: c.1645C>T on transcript NM_000404.4 (MANE Select); coding-DNA position 1645, C replaced by T.
Protein change: p.Pro549Ser; replaces proline 549 with serine.
Molecular consequence: missense variant.
Genome position (GRCh38, 1-based): chr3:33,014,145, G>A on the plus strand (C>T on the coding strand, the complement: GLB1 is on the minus strand). VCF-style: chr3-33014145-G-A. GRCh37 (hg19) VCF-style: chr3-33055637-G-A.
Other names: c.1555C>T, p.Pro519Ser (NM_001079811.3); c.1252C>T, p.Pro418Ser (NM_001135602.3); c.1789C>T, p.Pro597Ser (NM_001317040.2); c.1645C>T, p.Pro549Ser (NM_001393580.1); short protein forms P418S, P549S, P519S, P597S.
Identifiers: ClinVar variation 1517873 (VCV001517873.7), dbSNP rs2125463133, ClinGen allele CA351984554.
Genomic context (GRCh38, chr3:33,014,145, plus strand): 5'-TGTCCTGGGGCAAGTCTGGGATCCCACTGGGAATGGAGAAGTTCCCCATATAAAAGGCCG[G>A]GAGCGTGTAGTTGGATGAGTTGTGGGCCCAGGCTTCATCATGGTGGCCACTGTCACGGTG-3'
Protein context (NP_000395.3, residues 539-559): WAHNSSNYTL[Pro549Ser]AFYMGNFSIP

ClinVar aggregate classification (germline): Conflicting classifications of pathogenicity. Review status: criteria provided, conflicting classifications (1 of 4 stars). 2 submissions from 2 submitters: Likely pathogenic (1); Uncertain significance (1). Last evaluated 2026-01-02.

Conditions:
GM1 gangliosidosis. Identifiers: Orphanet 354, MedGen C0085131, MONDO:0018149.
Mucopolysaccharidosis, MPS-IV-B (MPS4B). Also called: MORQUIO SYNDROME B; Mucopolysaccharidosis Type IVB (Morquio B Disease); Mucopolysaccharidosis type 4B; Mucopolysaccharidosis type IVB (Morquio); MPS IVB; Mucopolysaccharidosis type IV B. Identifiers: Orphanet 309310, Orphanet 582, MedGen C0086652, MONDO:0009660, OMIM 253010.

gnomAD v4.1: 1 of 1,614,190 alleles (0.000062%); no homozygotes.

Submissions (2):

Women's Health and Genetics/Laboratory Corporation of America, LabCorp
Classification: Uncertain significance. Last evaluated: 2026-01-02. Review status: criteria provided, single submitter. Criteria: LabCorp Variant Classification Summary - May 2015. Collection method: clinical testing. Allele origin: germline.
Comment: Variant summary: GLB1 c.1645C>T (p.Pro549Ser) results in a non-conservative amino acid change in the encoded protein sequence. Algorithms developed to predict the effect of missense changes on protein structure and function all suggest that this variant is likely to be disruptive. The variant was absent in 248812 control chromosomes. The available data on variant occurrences in the general population are insufficient to allow any conclusion about variant significance. To our knowledge, no occurrence of c.1645C>T in individuals affected with GLB1-related conditions and no experimental evidence demonstrating its impact on protein function have been reported. A different variant affecting the same codon has been classified as likely pathogenic by our lab (c.1646C>T, p.Pro549Leu), supporting the critical relevance of codon 549 to GLB1 protein function. ClinVar contains an entry for this variant (Variation ID: 1517873). Based on the evidence outlined above, the variant was classified as uncertain significance.

Labcorp Genetics (formerly Invitae), Labcorp
Classification: Likely pathogenic for Mucopolysaccharidosis, MPS-IV-B; GM1 gangliosidosis. Last evaluated: 2022-07-25. Review status: criteria provided, single submitter. Criteria: Invitae Variant Classification Sherloc (09022015). Collection method: clinical testing. Allele origin: germline.
Comment: In summary, the currently available evidence indicates that the variant is pathogenic, but additional data are needed to prove that conclusively. Therefore, this variant has been classified as Likely Pathogenic. This variant disrupts the p.Pro549 amino acid residue in GLB1. Other variant(s) that disrupt this residue have been determined to be pathogenic (PMID: 17221873, 17309651, 22234367). This suggests that this residue is clinically significant, and that variants that disrupt this residue are likely to be disease-causing. Advanced modeling of protein sequence and biophysical properties (such as structural, functional, and spatial information, amino acid conservation, physicochemical variation, residue mobility, and thermodynamic stability) performed at Invitae indicates that this missense variant is expected to disrupt GLB1 protein function. ClinVar contains an entry for this variant (Variation ID: 1517873). This variant has not been reported in the literature in individuals affected with GLB1-related conditions. This variant is not present in population databases (gnomAD no frequency). This sequence change replaces proline, which is neutral and non-polar, with serine, which is neutral and polar, at codon 549 of the GLB1 protein (p.Pro549Ser).

Literature cited by the submitters: PubMed 17221873 (cited by Labcorp Genetics (formerly Invitae), Labcorp); PubMed 17309651 (cited by Labcorp Genetics (formerly Invitae), Labcorp); PubMed 22234367 (cited by Labcorp Genetics (formerly Invitae), Labcorp).